The following is an entry in ClinVar:

NM_015909.4(NBAS):c.2674G>T (p.Val892Phe)

Gene: NBAS (NBAS subunit of NRZ tethering complex; minus strand). Cytogenetic location: 2p24.3.
Variant type: single nucleotide variant.
Coding change: c.2674G>T on transcript NM_015909.4 (MANE Select); coding-DNA position 2674, G replaced by T.
Protein change: p.Val892Phe; replaces valine 892 with phenylalanine.
Molecular consequence: missense variant. On other transcripts: non-coding transcript variant (1).
Genome position (GRCh38, 1-based): chr2:15,417,616, C>A on the plus strand (G>T on the coding strand, the complement: NBAS is on the minus strand). VCF-style: chr2-15417616-C-A. GRCh37 (hg19) VCF-style: chr2-15557740-C-A.
Other names: short protein forms V892F.
Identifiers: ClinVar variation 3336040 (VCV003336040.1).
Genomic context (GRCh38, chr2:15,417,616, plus strand): 5'-TGTCTTTCATCTGCTGGAGTTCTTTCAGGGTTAGAGTTACATCACACCTGGCTTCATAAA[C>A]CAATGTTTCCAGAGTAACCAAATTGTCACAGAGAACCAGCAAACCAGGAATATTCCGCTC-3'
Protein context (NP_056993.2, residues 882-902): CDNLVTLETL[Val892Phe]YEARCDVTLT

ClinVar aggregate classification (germline): Uncertain significance (1 of 4 stars; one submission).

gnomAD v4.1: 5 of 1,613,998 alleles (0.00031%); highest among the groups gnomAD compares: East Asian, 0.011%; no homozygotes.

Submission:

Women's Health and Genetics/Laboratory Corporation of America, LabCorp
Classification: Uncertain significance. Last evaluated: 2024-05-30. Review status: criteria provided, single submitter. Criteria: LabCorp Variant Classification Summary - May 2015. Collection method: clinical testing. Allele origin: germline.
Comment: Variant summary: NBAS c.2674G>T (p.Val892Phe) results in a non-conservative amino acid change in the encoded protein sequence. Four of five in-silico tools predict a damaging effect of the variant on protein function. The variant allele was found at a frequency of 4e-06 in 251226 control chromosomes. The available data on variant occurrences in the general population are insufficient to allow any conclusion about variant significance. c.2674G>T has been reported in the literature in the compound heterozygous state in two related individuals affected with clinical features of Liver Failure Acute Infantile, Type 2 (example, Ono_2019), however the disease presentation in these 2 siblings was different. These report(s) do not provide unequivocal conclusions about association of the variant with Liver Failure Acute Infantile, Type 2. To our knowledge, no experimental evidence demonstrating an impact on protein function has been reported. The following publication has been ascertained in the context of this evaluation (PMID: 30622725). No submitters have cited clinical-significance assessments for this variant to ClinVar. Based on the evidence outlined above, the variant was classified as uncertain significance.

Literature cited by the submitters: PubMed 30622725.